The following is an entry in ClinVar:

ClinVar aggregate classification (germline): Pathogenic (1 of 4 stars; one submission).

Conditions:
Sweeney-Cox syndrome. Identifiers: MedGen C4540299, MONDO:0060592, OMIM 617746.

Submission:

3billion
Classification: Pathogenic for Sweeney-Cox syndrome. Review status: criteria provided, single submitter. Criteria: ACMG Guidelines, 2015. Collection method: clinical testing. Allele origin: unknown. Affected: yes. Observed: 1 heterozygote.
Comment: The variant is not observed in the gnomAD v2.1.1 dataset. In silico tool predictions suggest damaging effect of the variant on gene or gene product (REVEL: 0.87; 3Cnet: 0.84). Different nucleotide change resulting in same amino acid change has been previously reported to be associated with TWIST1 related disorder (PMID: 30450715). The variant has been previously reported as de novo in a similarly affected individual (PMID: 30450715). Different missense changes at the same codon (p.Glu117Gly, p.Glu117Val) have been reported as pathogenic/likely pathogenic with strong evidence (ClinVar ID: VCV000444875, VCV000444876 / PMID: 27884935, 28369379). Therefore, this variant is classified as Pathogenic according to the recommendation of ACMG/AMP guideline.

Literature cited by the submitters: PubMed 30450715; PubMed 28369379; PubMed 27884935.

NM_000474.4(TWIST1):c.351G>T (p.Glu117Asp)

Gene: TWIST1 (twist family bHLH transcription factor 1; minus strand). Cytogenetic location: 7p21.1.
Variant type: single nucleotide variant.
Coding change: c.351G>T on transcript NM_000474.4 (MANE Select); coding-DNA position 351, G replaced by T.
Protein change: p.Glu117Asp; replaces glutamic acid 117 with aspartic acid.
Molecular consequence: missense variant. On other transcripts: non-coding transcript variant (1).
Genome position (GRCh38, 1-based): chr7:19,116,971, C>A on the plus strand (G>T on the coding strand, the complement: TWIST1 is on the minus strand). VCF-style: chr7-19116971-C-A. GRCh37 (hg19) VCF-style: chr7-19156594-C-A.
Other names: short protein forms E117D.
Identifiers: ClinVar variation 2572412 (VCV002572412.1), dbSNP rs1323849138, ClinGen allele CA367015623.